The following is an entry in ClinVar:

ClinVar aggregate classification (germline): Uncertain significance (1 of 4 stars; one submission).

Conditions:
Immunodeficiency-centromeric instability-facial anomalies syndrome 2 (ICF2). Identifiers: Orphanet 2268, MedGen C3279748, MONDO:0013553, OMIM 614069.

Submission:

Labcorp Genetics (formerly Invitae), Labcorp
Classification: Uncertain significance for Immunodeficiency-centromeric instability-facial anomalies syndrome 2. Last evaluated: 2019-02-23. Review status: criteria provided, single submitter. Criteria: Invitae Variant Classification Sherloc (09022015). Collection method: clinical testing. Allele origin: germline.
Comment: In summary, the available evidence is currently insufficient to determine the role of this variant in disease. Therefore, it has been classified as a Variant of Uncertain Significance. Algorithms developed to predict the effect of missense changes on protein structure and function are either unavailable or do not agree on the potential impact of this missense change (SIFT: "Deleterious"; PolyPhen-2: "Benign"; Align-GVGD: "Class C0"). This variant has not been reported in the literature in individuals with ZBTB24-related conditions. This variant is not present in population databases (ExAC no frequency). This sequence change replaces glutamic acid with lysine at codon 646 of the ZBTB24 protein (p.Glu646Lys). The glutamic acid residue is moderately conserved and there is a small physicochemical difference between glutamic acid and lysine.

NM_014797.3(ZBTB24):c.1936G>A (p.Glu646Lys)

Gene: ZBTB24 (zinc finger and BTB domain containing 24; minus strand). Cytogenetic location: 6q21.
Variant type: single nucleotide variant.
Coding change: c.1936G>A on transcript NM_014797.3 (MANE Select); coding-DNA position 1936, G replaced by A.
Protein change: p.Glu646Lys; replaces glutamic acid 646 with lysine.
Molecular consequence: missense variant.
Genome position (GRCh38, 1-based): chr6:109,466,009, C>T on the plus strand (G>A on the coding strand, the complement: ZBTB24 is on the minus strand). VCF-style: chr6-109466009-C-T. GRCh37 (hg19) VCF-style: chr6-109787212-C-T.
Other names: short protein forms E646K.
Identifiers: ClinVar variation 848363 (VCV000848363.8), dbSNP rs1776030137, ClinGen allele CA365194168.